The following is an entry in ClinVar:

ClinVar aggregate classification (germline): Uncertain significance. Review status: criteria provided, multiple submitters, no conflicts (2 of 4 stars). 3 submissions from 3 submitters: Uncertain significance (3). Last evaluated 2026-03-02.

Conditions:
BICC1-related disorder. Also called: BICC1-related condition.
Renal dysplasia, cystic, susceptibility to. Identifiers: MedGen C3275898, MONDO:0011037, OMIM 601331.

Allele frequency attached by ClinVar (database versions not stated): gnomAD exomes 0.00001; gnomAD 0.00004; ExAC 0.00005; TOPMed 0.00009.
gnomAD v4.1: 15 of 1,614,006 alleles (0.00093%); highest among the groups gnomAD compares: African/African-American, 0.013%; no homozygotes.

Submissions (3):

PreventionGenetics, part of Exact Sciences
Classification: Uncertain significance for BICC1-related condition. Last evaluated: 2026-03-02. Review status: criteria provided, single submitter. Criteria: ACMG Guidelines, 2015. Collection method: clinical testing. Allele origin: germline.
Comment: The BICC1 c.991A>G variant is predicted to result in the amino acid substitution p.Thr331Ala. To our knowledge, this variant has not been reported in the literature. This variant is reported in 0.024% of alleles in individuals of African descent in gnomAD. Although we suspect that this variant may be benign, at this time, the clinical significance of this variant is uncertain due to the absence of conclusive functional and genetic evidence.

Labcorp Genetics (formerly Invitae), Labcorp
Classification: Uncertain significance. Last evaluated: 2025-08-27. Review status: criteria provided, single submitter. Criteria: Invitae Variant Classification Sherloc (09022015). Collection method: clinical testing. Allele origin: germline.
Comment: This sequence change replaces threonine, which is neutral and polar, with alanine, which is neutral and non-polar, at codon 331 of the BICC1 protein (p.Thr331Ala). This variant is present in population databases (rs144333642, gnomAD 0.02%). This variant has not been reported in the literature in individuals affected with BICC1-related conditions. ClinVar contains an entry for this variant (Variation ID: 2710043). An algorithm developed to predict the effect of missense changes on protein structure and function (PolyPhen-2) suggests that this variant is likely to be tolerated. In summary, the available evidence is currently insufficient to determine the role of this variant in disease. Therefore, it has been classified as a Variant of Uncertain Significance.

Fulgent Genetics
Classification: Uncertain significance for Renal dysplasia, cystic, susceptibility to. Last evaluated: 2024-02-25. Review status: criteria provided, single submitter. Criteria: ACMG Guidelines, 2015. Collection method: clinical testing. Allele origin: germline.

NM_001080512.3(BICC1):c.991A>G (p.Thr331Ala)

Gene: BICC1 (BicC family RNA binding protein 1; plus strand). Cytogenetic location: 10q21.1.
Variant type: single nucleotide variant.
Coding change: c.991A>G on transcript NM_001080512.3 (MANE Select); coding-DNA position 991, A replaced by G.
Protein change: p.Thr331Ala; replaces threonine 331 with alanine.
Molecular consequence: missense variant.
Genome position (GRCh38, 1-based): chr10:58,789,877, A>G. VCF-style: chr10-58789877-A-G. GRCh37 (hg19) VCF-style: chr10-60549637-A-G.
Other names: c.991A>G (NM_001080512.2); short protein forms T331A.
Identifiers: ClinVar variation 2710043 (VCV002710043.5), dbSNP rs144333642, ClinGen allele CA5508367.